The following is an entry in ClinVar:

ClinVar aggregate classification (germline): Uncertain significance (1 of 4 stars; one submission).

Conditions:
Fanconi anemia (FA). Also called: Fanconi's anemia. Identifiers: Orphanet 84, MedGen C0015625, MeSH D005199, MONDO:0019391.

Allele frequency attached by ClinVar (database versions not stated): gnomAD 0.00001; gnomAD exomes below 0.00001.
gnomAD v4.1: 4 of 1,608,464 alleles (0.00025%); highest among the groups gnomAD compares: Non-Finnish European, 0.00034%; no homozygotes.

Submission:

Labcorp Genetics (formerly Invitae), Labcorp
Classification: Uncertain significance for Fanconi anemia. Last evaluated: 2023-03-12. Review status: criteria provided, single submitter. Criteria: Invitae Variant Classification Sherloc (09022015). Collection method: clinical testing. Allele origin: germline.
Comment: An algorithm developed to predict the effect of missense changes on protein structure and function (PolyPhen-2) suggests that this variant is likely to be tolerated. This variant has not been reported in the literature in individuals affected with FANCM-related conditions. This variant is not present in population databases (gnomAD no frequency). This sequence change replaces serine, which is neutral and polar, with phenylalanine, which is neutral and non-polar, at codon 661 of the FANCM protein (p.Ser661Phe). In summary, the available evidence is currently insufficient to determine the role of this variant in disease. Therefore, it has been classified as a Variant of Uncertain Significance.

NM_020937.4(FANCM):c.1982C>T (p.Ser661Phe)

Gene: FANCM (FA complementation group M; plus strand). Cytogenetic location: 14q21.2.
Variant type: single nucleotide variant.
Coding change: c.1982C>T on transcript NM_020937.4 (MANE Select); coding-DNA position 1982, C replaced by T.
Protein change: p.Ser661Phe; replaces serine 661 with phenylalanine.
Molecular consequence: missense variant.
Genome position (GRCh38, 1-based): chr14:45,167,143, C>T. VCF-style: chr14-45167143-C-T. GRCh37 (hg19) VCF-style: chr14-45636346-C-T.
Other names: c.1904C>T, p.Ser635Phe (NM_001308133.2); c.1982C>T, p.Ser661Phe (NM_001308134.2); short protein forms S635F, S661F.
Identifiers: ClinVar variation 2728923 (VCV002728923.3), dbSNP rs1888040294, ClinGen allele CA389595192.